The following is an entry in ClinVar:

ClinVar aggregate classification (germline): Uncertain significance. Review status: criteria provided, multiple submitters, no conflicts (2 of 4 stars). 3 submissions from 3 submitters: Uncertain significance (3). Last evaluated 2025-08-28.

Conditions:
Hereditary cancer-predisposing syndrome. Also called: Hereditary Cancer Syndrome; Neoplastic Syndromes, Hereditary; Tumor predisposition; Hereditary neoplastic syndrome. Identifiers: Orphanet 140162, MedGen C0027672, MeSH D009386, MONDO:0015356.

gnomAD v4.1: 11 of 1,612,570 alleles (0.00068%); highest among the groups gnomAD compares: Admixed American, 0.0017%; no homozygotes.

Submissions (3):

Color Diagnostics, LLC DBA Color Health
Classification: Uncertain significance for Hereditary cancer-predisposing syndrome. Last evaluated: 2025-08-28. Review status: criteria provided, single submitter. Criteria: ACMG Guidelines, 2015. Collection method: clinical testing. Allele origin: germline.
Comment: This variant changes C>T at the -1 position in the 5' untranslated region of the PMS2 gene. To our knowledge, gene expression studies have not been reported for this variant. This variant has not been reported in individuals affected with PMS2-related disorders in the literature. This variant has not been identified in the general population by the Genome Aggregation Database (gnomAD). The available evidence is insufficient to determine the role of this variant in disease conclusively. Therefore, this variant is classified as a Variant of Uncertain Significance.

Women's Health and Genetics/Laboratory Corporation of America, LabCorp
Classification: Uncertain significance. Last evaluated: 2024-07-18. Review status: criteria provided, single submitter. Criteria: LabCorp Variant Classification Summary - May 2015. Collection method: clinical testing. Allele origin: germline.
Comment: Variant summary: PMS2 c.-1C>T affects a non-conserved nucleotide, located in the untranslated mRNA region upstream of the initiation codon. This variant is located in the Kozak consensus sequence, however it affects a position which is considered to be not highly conserved (PMID: 12459250), therefore it is not expected to affect the strength of the consensus motif. The variant allele was found at a frequency of 6.8e-06 in 1606504 control chromosomes (gnomAD v4.1). This frequency is not higher than the estimated maximum expected for a pathogenic variant in PMS2 causing Prostate Cancer (65e-05), allowing no conclusion about variant significance. To our knowledge, no occurrence of c.-1C>T in individuals affected with Prostate Cancer has been reported. At least one publication reports experimental evidence evaluating the in vitro effect of the variant, and demonstrated a statistically significant decrease in translation efficiency, however the magnitude of the decrease was small, i.e. corresponding to about 90% residual activity (Matoy_2024). These data do not allow clear conclusions about the in vivo effect of this variant. The following publication has been ascertained in the context of this evaluation (PMID: 38654521). ClinVar contains an entry for this variant (Variation ID: 480300). Based on the evidence outlined above, the variant was classified as uncertain significance.

Ambry Genetics
Classification: Uncertain significance for Hereditary cancer-predisposing syndrome. Last evaluated: 2023-12-18. Review status: criteria provided, single submitter. Criteria: Ambry Variant Classification Scheme 2023. Collection method: clinical testing. Allele origin: germline.
Comment: The c.-1C>T variant is located in the 5' untranslated region (5&rsquo; UTR) of the PMS2 gene. This variant results from a C to T substitution 1 base upstream from the first translated codon. This nucleotide position is well conserved in available vertebrate species. Since supporting evidence is limited at this time, the clinical significance of this alteration remains unclear.

Literature cited by the submitters: PubMed 38654521 (cited by Women's Health and Genetics/Laboratory Corporation of America, LabCorp).

NM_000535.7(PMS2):c.-1C>T

Gene: PMS2 (PMS1 homolog 2, mismatch repair system component; minus strand). Cytogenetic location: 7p22.1.
Variant type: single nucleotide variant.
Coding change: c.-1C>T on transcript NM_000535.7 (MANE Select); 1 bases upstream of the start codon, C replaced by T.
Molecular consequence: 5 prime UTR variant. On other transcripts: non-coding transcript variant (1).
Genome position (GRCh38, 1-based): chr7:6,009,020, G>A on the plus strand (C>T on the coding strand, the complement: PMS2 is on the minus strand). VCF-style: chr7-6009020-G-A. GRCh37 (hg19) VCF-style: chr7-6048651-G-A.
Other names: c.-401C>T (NM_001018040.1, NM_001322003.2, NM_001322013.2 and 5 more transcripts); c.-266C>T (NM_001322004.2, NM_001322010.2, NM_001406911.1); c.-596C>T (NM_001322005.2); c.-1C>T (NM_001322006.2, NM_001322014.2, NM_001406866.1 and 11 more transcripts); c.-216C>T (NM_001322007.2, NM_001406876.1, NM_001406896.1 and 2 more transcripts); c.-76C>T (NM_001322008.2); c.-591C>T (NM_001322009.2, NM_001406897.1); c.-885C>T (NM_001322011.2); and 19 more.
Identifiers: ClinVar variation 480300 (VCV000480300.8), dbSNP rs369681753, ClinGen allele CA658657660.
Genomic context (GRCh38, chr7:6,009,020, plus strand): 5'-CGAGAGGGGACACCGGAAGACTGCGAGCCCCGCTCACCTCGAGCTCTCAGCTCGCTCCAT[G>A]GATGCAACACCCGATCCGCCTCGGGGACTGGGAAAGTTCCCTCCAGGGCTCCCACAGGCG-3'